The following is an entry in ClinVar:

ClinVar aggregate classification (germline): Likely benign (0 of 4 stars; one submission).

Conditions:
Polycystic kidney disease. Also called: Polycystic kidney dysplasia; Kidney, Polycystic. Identifiers: MedGen C0022680, MeSH D007690, MONDO:0020642, HP:0000113.

Allele frequency attached by ClinVar (database versions not stated): gnomAD below 0.00001 and 0.00001; TOPMed below 0.00001; ExAC 0.00001.

Submission:

Department of Pathology and Laboratory Medicine, Sinai Health System
Classification: Likely benign for Polycystic Kidney disease. Review status: no assertion criteria provided. Collection method: clinical testing. Allele origin: unknown. Affected: yes. Study: The Canadian Open Genetics Repository (COGR).
Comment: The PKD1 p.Thr2846= variant was not identified in the literature. This variant was listed in dbSNP (ID: rs774274728) as â€šÃ„ÃºNAâ€šÃ„Ã¹, the Exome Aggregation Consortium database (August 8th 2016) in 1 of 114,096 chromosomes (freq. 0.000009) in the following population: Other in 1 of 858 chromosomes (freq. 0.001), but was not seen in African, East Asian, Finnish, European, Latino and South Asian populations. This variant was not identified in the 1000 Genomes Project, the NHLBI Exome Sequencing Project, GeneInsight COGR, ClinVar, Clinvitae, MutDB, ADPKD Mutation Database or PKD1-LOVD, and PKD1-LOVD 3.0. The p.Thr2846= variant is not expected to have clinical significance because it does not result in a change of amino acid and is not located in a known consensus splice site. In addition, in silico or computational prediction software programs (SpliceSiteFinder, MaxEntScan, NNSPLICE, GeneSplicer, HumanSpliceFinder) do not predict a difference in splicing. In summary, based on the above information, the clinical significance of this variant cannot be determined with certainty at this time although we would lean towards a more benign role for this variant. This variant is classified as likely benign.

NM_001009944.3(PKD1):c.8538C>T (p.Thr2846=)

Gene: PKD1 (polycystin 1, transient receptor potential channel interacting; minus strand). Cytogenetic location: 16p13.3.
Variant type: single nucleotide variant.
Coding change: c.8538C>T on transcript NM_001009944.3 (MANE Select); coding-DNA position 8538, C replaced by T.
Protein change: p.Thr2846=; no amino-acid change (threonine 2846 retained).
Molecular consequence: synonymous variant.
Genome position (GRCh38, 1-based): chr16:2,103,519, G>A on the plus strand (C>T on the coding strand, the complement: PKD1 is on the minus strand). VCF-style: chr16-2103519-G-A. GRCh37 (hg19) VCF-style: chr16-2153520-G-A.
Other names: c.8538C>T, p.Thr2846= (NM_000296.4).
Identifiers: ClinVar variation 997256 (VCV000997256.1), dbSNP rs774274728, ClinGen allele CA7830485.
Genomic context (GRCh38, chr16:2,103,519, plus strand): 5'-CAGCCGCTCGATGGGGATCTGGGCGCCGGCCTGTGTCTGGAATGCCATCGAGGCCACCTT[G>A]GTGGAGACGGTGTAGTTGCTGATATAGCCAAAGGGAAAGGGATTGGAGTCCACCAGAAAG-3'
Protein context (NP_001009944.3, residues 2836-2856): FGYISNYTVS[Thr2846=]KVASMAFQTQ